The following is an entry in ClinVar:

ClinVar aggregate classification (germline): Pathogenic (1 of 4 stars; one submission).

Conditions:
Zellweger spectrum disorders (ZS). Also called: Zellweger syndrome; Zellweger Spectrum Disorder (ZSD); Zellweger Spectrum Disorder; Zellweger Spectrum. Identifiers: Orphanet 912, MedGen C0043459, MONDO:0019609.

Submission:

Labcorp Genetics (formerly Invitae), Labcorp
Classification: Pathogenic for Zellweger spectrum disorders. Last evaluated: 2022-07-02. Review status: criteria provided, single submitter. Criteria: Invitae Variant Classification Sherloc (09022015). Collection method: clinical testing. Allele origin: germline.
Comment: For these reasons, this variant has been classified as Pathogenic. This variant has not been reported in the literature in individuals affected with PEX1-related conditions. This variant is not present in population databases (gnomAD no frequency). This sequence change creates a premature translational stop signal (p.Gly973Lysfs*17) in the PEX1 gene. It is expected to result in an absent or disrupted protein product. Loss-of-function variants in PEX1 are known to be pathogenic (PMID: 9398847, 16086329, 16141001, 21031596, 26387595, 31831025).

Literature cited by the submitters: PubMed 9398847; PubMed 16086329; PubMed 16141001; PubMed 21031596; PubMed 26387595; PubMed 31831025.

NM_000466.3(PEX1):c.2915_2916dup (p.Gly973fs)

Genes: GATAD1 (GATA zinc finger domain containing 1; plus strand), PEX1 (peroxisomal biogenesis factor 1; minus strand). Cytogenetic location: 7q21.2.
Variant type: Duplication.
Coding change: c.2915_2916dup on transcript NM_000466.3 (MANE Select); coding-DNA positions 2915 to 2916, 2 bases duplicated (AA; older notation c.2915_2916dupAA).
Protein change: p.Gly973fs; shifts the reading frame from glycine 973.
Molecular consequence: frameshift variant.
Genome position (GRCh38, 1-based): chr7:92,494,497-92,494,498, TT duplicated on the plus strand (AA on the coding strand, the reverse complement: PEX1 is on the minus strand). VCF-style (leftmost placement, unchanged base first): chr7-92494496-C-CTT. GRCh37 (hg19) VCF-style: chr7-92123810-C-CTT.
Other names: c.2744_2745dup, p.Gly916fs (NM_001282677.2); c.2291_2292dup, p.Gly765fs (NM_001282678.2); short protein forms G765fs, G973fs, G916fs.
Identifiers: ClinVar variation 2013179 (VCV002013179.4), dbSNP rs61750426, ClinGen allele CA918073933.
Genomic context (GRCh38, chr7:92,494,496, plus strand): 5'-ACATGATGACATTTTGTTATAACATTCTATTTCTGTATTTATAATTATTACCCTGTAAGC[C>CTT]TTCTACTCCATCCAACTGAGTCAGCAACTGGTTAACTACTCGGTCTGTAACTCCTGTATT-3'